The following is an entry in ClinVar:

NC_000007.14:g.156796098A>G

Genes: LMBR1 (limb development membrane protein 1; minus strand), SHH (sonic hedgehog signaling molecule; minus strand). Cytogenetic location: 7q36.3.
Variant type: single nucleotide variant.
Molecular consequence: intron variant (on NM_022458.4).
Genome position: GRCh38 VCF-style: chr7-156796098-A-G. GRCh37 (hg19) VCF-style: chr7-156588792-A-G.
Other names: c.360+291T>C (NM_001363412.2); c.144+291T>C (NM_001350954.2); c.423+291T>C (NM_001363410.2, NM_022458.4, NM_001363409.2 and 1 more transcripts); c.-112+291T>C (NM_001350958.2, NM_001350956.2, NM_001350955.2 and 1 more transcripts); c.54+291T>C (NM_001350957.2, NM_001363411.2).
Identifiers: ClinVar variation 1392610 (VCV001392610.1), dbSNP rs1272085196, ClinGen allele CA835807167.

ClinVar aggregate classification (germline): Uncertain significance (1 of 4 stars; one submission).

Conditions:
Holoprosencephaly 3 (HPE3). Identifiers: Orphanet 2162, MedGen C1840529, MONDO:0007733, OMIM 142945.

Allele frequency attached by ClinVar (database versions not stated): gnomAD 0.00003; TOPMed 0.00002.
gnomAD v4.1: 4 of 152,212 alleles (0.0026%); highest among the groups gnomAD compares: African/African-American, 0.0096%; no homozygotes.

Submission:

Labcorp Genetics (formerly Invitae), Labcorp
Classification: Uncertain significance for Holoprosencephaly 3. Last evaluated: 2021-11-11. Review status: criteria provided, single submitter. Criteria: Invitae Variant Classification Sherloc (09022015). Collection method: clinical testing. Allele origin: germline.
Comment: This variant occurs in a non-coding region of the SHH gene. It does not change the encoded amino acid sequence of the SHH protein. This variant is not present in population databases (gnomAD no frequency). This variant has not been reported in the literature in individuals affected with SHH-related conditions. Experimental studies and prediction algorithms are not available or were not evaluated, and the functional significance of this variant is currently unknown. In summary, the available evidence is currently insufficient to determine the role of this variant in disease. Therefore, it has been classified as a Variant of Uncertain Significance.